The following is an entry in ClinVar:

NM_006420.3(ARFGEF2):c.1512G>A (p.Thr504=)

Gene: ARFGEF2 (ARF guanine nucleotide exchange factor 2; plus strand). Cytogenetic location: 20q13.13.
Variant type: single nucleotide variant.
Coding change: c.1512G>A on transcript NM_006420.3 (MANE Select); coding-DNA position 1512, G replaced by A.
Protein change: p.Thr504=; no amino-acid change (threonine 504 retained).
Molecular consequence: synonymous variant.
Genome position (GRCh38, 1-based): chr20:48,972,412, G>A. VCF-style: chr20-48972412-G-A. GRCh37 (hg19) VCF-style: chr20-47588949-G-A.
Identifiers: ClinVar variation 210225 (VCV000210225.41), dbSNP rs116550473, ClinGen allele CA207376.

ClinVar aggregate classification (germline): Benign/Likely benign. Review status: criteria provided, multiple submitters, no conflicts (2 of 4 stars). 6 submissions from 6 submitters: Benign (4); Likely benign (1). 1 of the submissions does not count toward it. Last evaluated 2026-01-07.

Conditions:
ARFGEF2-related disorder. Also called: ARFGEF2-related condition.

Allele frequency attached by ClinVar (database versions not stated): gnomAD exomes 0.00103; ExAC 0.00124; 1000 Genomes Project 0.00339; 1000 Genomes Project 30x 0.00344; gnomAD 0.00367 and 0.00395; TOPMed 0.00371; ESP Exome Variant Server 0.00431.
gnomAD v4.1: 1,105 of 1,613,450 alleles (0.068%); highest among the groups gnomAD compares: African/African-American, 1.2%; 5 homozygotes.

Submissions (6):

Labcorp Genetics (formerly Invitae), Labcorp
Classification: Benign. Last evaluated: 2026-01-07. Review status: criteria provided, single submitter. Criteria: Invitae Variant Classification Sherloc (09022015). Collection method: clinical testing. Allele origin: germline.

Athena Diagnostics
Classification: Benign. Last evaluated: 2024-09-18. Review status: criteria provided, single submitter. Criteria: Athena Diagnostics Criteria. Collection method: clinical testing. Allele origin: unknown.

CeGaT Center for Human Genetics Tuebingen
Classification: Benign. Last evaluated: 2023-01-01. Review status: criteria provided, single submitter. Criteria: CeGaT Center For Human Genetics Tuebingen Variant Classification Criteria Version 2. Collection method: clinical testing. Allele origin: germline. Affected: yes. Observed: 1 variant allele.
Comment: ARFGEF2: BP4, BP7, BS1, BS2

GeneDx
Classification: Likely benign. Last evaluated: 2020-12-16. Review status: criteria provided, single submitter. Criteria: GeneDx Variant Classification Process June 2021. Collection method: clinical testing. Allele origin: germline. Affected: yes.

Genetic Services Laboratory, University of Chicago
Classification: Benign. Last evaluated: 2015-09-30. Review status: criteria provided, single submitter. Criteria: ACMG Guidelines, 2015. Collection method: clinical testing. Allele origin: germline. Affected: no.

PreventionGenetics, part of Exact Sciences
Classification: Benign for ARFGEF2-related condition. Last evaluated: 2019-07-18. Review status: no assertion criteria provided. Collection method: clinical testing. Allele origin: germline. Not counted in ClinVar's aggregate classification.
Comment: This variant is classified as benign based on ACMG/AMP sequence variant interpretation guidelines (Richards et al. 2015 PMID: 25741868, with internal and published modifications).